The following is an entry in ClinVar:

NM_000492.4:c.53+9713_1392+2669del

Gene: CFTR (CF transmembrane conductance regulator; plus strand).
Variant type: Deletion.
Other names: CFTRdele2-9; c.53+9713_1392+2669del (NM_000492.4).
Identifiers: ClinVar variation 1705985 (VCV001705985.1).

ClinVar aggregate classification (germline): Pathogenic (1 of 4 stars; one submission).

Conditions:
Cystic fibrosis (CF). Also called: MUCOVISCIDOSIS. Identifiers: Orphanet 586, MedGen C0010674, MONDO:0009061, OMIM 219700. Disease mechanism: loss of function.

Submission:

Institute of Human Genetics, University of Leipzig Medical Center
Classification: Pathogenic for Cystic fibrosis. Last evaluated: 2022-09-05. Review status: criteria provided, single submitter. Criteria: ACMG Guidelines, 2015. Collection method: curation. Allele origin: unknown. Affected: yes. Observed: 1 variant allele.
Comment: The variant was classified in the context of a project re-classifying variants in the German Cystic Fibrosis Registry (Muko.e.V.). Criteria applied: PVS1, PM2_SUP, PM3, PP4 Previously this variant has been described as: c.53+9713_1392+2669del61633 (described at genomic DNA level)